The following is an entry in ClinVar:

ClinVar aggregate classification (germline): Uncertain significance. Review status: criteria provided, multiple submitters, no conflicts (2 of 4 stars). 2 submissions from 2 submitters: Uncertain significance (2). Last evaluated 2025-09-20.

Conditions:
Rhabdoid tumor predisposition syndrome 2 (RTPS2). Identifiers: Orphanet 231108, Orphanet 69077, MedGen C2750074, MONDO:0013224, OMIM 613325.
Hereditary cancer-predisposing syndrome. Also called: Tumor predisposition; Hereditary Cancer Syndrome; Hereditary neoplastic syndrome; Neoplastic Syndromes, Hereditary. Identifiers: Orphanet 140162, MedGen C0027672, MeSH D009386, MONDO:0015356.

Allele frequency attached by ClinVar (database versions not stated): TOPMed below 0.00001.

Submissions (2):

Labcorp Genetics (formerly Invitae), Labcorp
Classification: Uncertain significance for Rhabdoid tumor predisposition syndrome 2. Last evaluated: 2025-09-20. Review status: criteria provided, single submitter. Criteria: Invitae Variant Classification Sherloc (09022015). Collection method: clinical testing. Allele origin: germline.
Comment: This sequence change replaces serine, which is neutral and polar, with phenylalanine, which is neutral and non-polar, at codon 78 of the SMARCA4 protein (p.Ser78Phe). This variant is not present in population databases (gnomAD no frequency). This variant has not been reported in the literature in individuals affected with SMARCA4-related conditions. ClinVar contains an entry for this variant (Variation ID: 1442002). Invitae Evidence Modeling of protein sequence and biophysical properties (such as structural, functional, and spatial information, amino acid conservation, physicochemical variation, residue mobility, and thermodynamic stability) has been performed for this missense variant. However, the output from this modeling did not meet the statistical confidence thresholds required to predict the impact of this variant on SMARCA4 protein function. In summary, the available evidence is currently insufficient to determine the role of this variant in disease. Therefore, it has been classified as a Variant of Uncertain Significance.

Ambry Genetics
Classification: Uncertain significance for Hereditary cancer-predisposing syndrome. Last evaluated: 2024-02-22. Review status: criteria provided, single submitter. Criteria: Ambry Variant Classification Scheme 2023. Collection method: clinical testing. Allele origin: germline.
Comment: The p.S78F variant (also known as c.233C>T), located in coding exon 2 of the SMARCA4 gene, results from a C to T substitution at nucleotide position 233. The serine at codon 78 is replaced by phenylalanine, an amino acid with highly dissimilar properties. This amino acid position is not well conserved in available vertebrate species. In addition, this alteration is predicted to be tolerated by in silico analysis. Since supporting evidence is limited at this time, the clinical significance of this alteration remains unclear.

NM_003072.5(SMARCA4):c.233C>T (p.Ser78Phe)

Gene: SMARCA4 (SWI/SNF related BAF chromatin remodeling complex subunit ATPase 4; plus strand). Cytogenetic location: 19p13.2.
Variant type: single nucleotide variant.
Coding change: c.233C>T on transcript NM_003072.5 (MANE Select); coding-DNA position 233, C replaced by T.
Protein change: p.Ser78Phe; replaces serine 78 with phenylalanine.
Molecular consequence: missense variant. On other transcripts: non-coding transcript variant (1).
Genome position (GRCh38, 1-based): chr19:10,985,283, C>T. VCF-style: chr19-10985283-C-T. GRCh37 (hg19) VCF-style: chr19-11095959-C-T.
Other names: c.233C>T, p.Ser78Phe (NM_001128844.3, NM_001128845.2, NM_001128846.2 and 5 more transcripts); short protein forms S78F.
Identifiers: ClinVar variation 1442002 (VCV001442002.10), dbSNP rs1555751949, ClinGen allele CA404055094.